The following is an entry in ClinVar:

ClinVar aggregate classification (germline): Pathogenic (1 of 4 stars; one submission).

Submission:

Labcorp Genetics (formerly Invitae), Labcorp
Classification: Pathogenic. Last evaluated: 2022-10-31. Review status: criteria provided, single submitter. Criteria: Invitae Variant Classification Sherloc (09022015). Collection method: clinical testing. Allele origin: germline.
Comment: A gross deletion of the genomic region encompassing the full coding sequence of the LAMA1 gene has been identified. Loss-of-function variants in LAMA1 are known to be pathogenic (PMID: 25105227, 26932191). The boundaries of this event are unknown as they extend beyond the assayed region for this gene and therefore may encompass additional genes. This variant has not been reported in the literature in individuals affected with LAMA1-related conditions. For these reasons, this variant has been classified as Pathogenic.

Literature cited by the submitters: PubMed 25105227; PubMed 26932191.

NC_000018.9:g.(?_6942078)_(7118955_?)del

Gene: LAMA1 (laminin subunit alpha 1; minus strand). Cytogenetic location: 18p11.31-11.23.
Variant type: Deletion.
Identifiers: ClinVar variation 2425372 (VCV002425372.3).